The following is an entry in ClinVar:

NM_015295.3(SMCHD1):c.478del (p.Ile160fs)

Gene: SMCHD1 (structural maintenance of chromosomes flexible hinge domain containing 1; plus strand). Cytogenetic location: 18p11.32.
Variant type: Deletion.
Coding change: c.478del on transcript NM_015295.3 (MANE Select); coding-DNA position 478, one base deleted (A; older notation c.478delA).
Protein change: p.Ile160fs; shifts the reading frame from isoleucine 160.
Molecular consequence: frameshift variant.
Genome position (GRCh38, 1-based): chr18:2,673,334, A deleted. VCF-style (leftmost placement, unchanged base first): chr18-2673333-CA-C. GRCh37 (hg19) VCF-style: chr18-2673332-CA-C.
Other names: short protein forms I160fs.
Identifiers: ClinVar variation 5040629 (VCV005040629.1).

ClinVar aggregate classification (germline): Pathogenic (1 of 4 stars; one submission).

Submission:

CeGaT Center for Human Genetics Tuebingen
Classification: Pathogenic. Last evaluated: 2026-08-01. Review status: criteria provided, single submitter. Criteria: CeGaT Center For Human Genetics Tuebingen Variant Classification Criteria Version 2. Collection method: clinical testing. Allele origin: germline. Affected: yes. Observed: 1 variant allele.
Comment: SMCHD1: PVS1, PM2